The following is an entry in ClinVar:

NM_172201.2(KCNE2):c.177G>A (p.Met59Ile)

Genes: KCNE2 (potassium voltage-gated channel subfamily E regulatory subunit 2; plus strand), LOC105372791 (uncharacterized LOC105372791; minus strand). Cytogenetic location: 21q22.11.
Variant type: single nucleotide variant.
Coding change: c.177G>A on transcript NM_172201.2 (MANE Select); coding-DNA position 177, G replaced by A.
Protein change: p.Met59Ile; replaces methionine 59 with isoleucine.
Molecular consequence: missense variant.
Genome position (GRCh38, 1-based): chr21:34,370,655, G>A. VCF-style: chr21-34370655-G-A. GRCh37 (hg19) VCF-style: chr21-35742954-G-A.
Other names: short protein forms M59I.
Identifiers: ClinVar variation 2562644 (VCV002562644.2), dbSNP rs2516740964, ClinGen allele CA410196556.

ClinVar aggregate classification (germline): Uncertain significance (1 of 4 stars; one submission).

Conditions:
Cardiovascular phenotype. Identifiers: MedGen CN230736.

Submission:

Ambry Genetics
Classification: Uncertain significance for Cardiovascular phenotype. Last evaluated: 2023-03-16. Review status: criteria provided, single submitter. Criteria: Ambry Variant Classification Scheme 2023. Collection method: clinical testing. Allele origin: germline.
Comment: The p.M59I variant (also known as c.177G>A), located in coding exon 1 of the KCNE2 gene, results from a G to A substitution at nucleotide position 177. The methionine at codon 59 is replaced by isoleucine, an amino acid with highly similar properties. This amino acid position is conserved. In addition, the in silico prediction for this alteration is inconclusive. Since supporting evidence is limited at this time, the clinical significance of this alteration remains unclear.